The following is an entry in ClinVar:

ClinVar aggregate classification (germline): Uncertain significance. Review status: criteria provided, multiple submitters, no conflicts (2 of 4 stars). 2 submissions from 2 submitters: Uncertain significance (2). Last evaluated 2025-02-28.

Conditions:
Developmental and epileptic encephalopathy, 34 (DEE34). Also called: Early infantile epileptic encephalopathy 34; SLC12A5-Related Epilepsy of Infancy with Migrating Focal Seizures. Identifiers: Orphanet 293181, MedGen C4225257, MONDO:0014718, OMIM 616645.

Allele frequency attached by ClinVar (database versions not stated): gnomAD exomes below 0.00001; gnomAD 0.00002; TOPMed 0.00003.
gnomAD v4.1: 4 of 1,606,400 alleles (0.00025%); highest among the groups gnomAD compares: African/African-American, 0.0054%; no homozygotes.

Submissions (2):

Ambry Genetics
Classification: Uncertain significance. Last evaluated: 2025-02-28. Review status: criteria provided, single submitter. Criteria: Ambry Variant Classification Scheme 2023. Collection method: clinical testing. Allele origin: germline.

Labcorp Genetics (formerly Invitae), Labcorp
Classification: Uncertain significance for Developmental and epileptic encephalopathy, 34. Last evaluated: 2021-08-27. Review status: criteria provided, single submitter. Criteria: Invitae Variant Classification Sherloc (09022015). Collection method: clinical testing. Allele origin: germline.
Comment: This sequence change replaces glutamine with arginine at codon 767 of the SLC12A5 protein (p.Gln767Arg). The glutamine residue is moderately conserved and there is a small physicochemical difference between glutamine and arginine. This variant is not present in population databases (ExAC no frequency). This variant has not been reported in the literature in individuals affected with SLC12A5-related conditions. Algorithms developed to predict the effect of missense changes on protein structure and function (SIFT, PolyPhen-2, Align-GVGD) all suggest that this variant is likely to be tolerated. In summary, the available evidence is currently insufficient to determine the role of this variant in disease. Therefore, it has been classified as a Variant of Uncertain Significance.

NM_020708.5(SLC12A5):c.2300A>G (p.Gln767Arg)

Gene: SLC12A5 (solute carrier family 12 member 5; plus strand). Cytogenetic location: 20q13.12.
Variant type: single nucleotide variant.
Coding change: c.2300A>G on transcript NM_020708.5 (MANE Select); coding-DNA position 2300, A replaced by G.
Protein change: p.Gln767Arg; replaces glutamine 767 with arginine.
Molecular consequence: missense variant.
Genome position (GRCh38, 1-based): chr20:46,051,793, A>G. VCF-style: chr20-46051793-A-G. GRCh37 (hg19) VCF-style: chr20-44680432-A-G.
Other names: c.2369A>G, p.Gln790Arg (NM_001134771.2); c.2369A>G (NM_001134771.1); short protein forms Q767R, Q790R.
Identifiers: ClinVar variation 943197 (VCV000943197.8), dbSNP rs995997850, ClinGen allele CA315642182.